The following is an entry in ClinVar:

NM_000075.4(CDK4):c.385G>A (p.Asp129Asn)

Gene: CDK4 (cyclin dependent kinase 4; minus strand). Cytogenetic location: 12q14.1.
Variant type: single nucleotide variant.
Coding change: c.385G>A on transcript NM_000075.4 (MANE Select); coding-DNA position 385, G replaced by A.
Protein change: p.Asp129Asn; replaces aspartic acid 129 with asparagine.
Molecular consequence: missense variant.
Genome position (GRCh38, 1-based): chr12:57,751,060, C>T on the plus strand (G>A on the coding strand, the complement: CDK4 is on the minus strand). VCF-style: chr12-57751060-C-T. GRCh37 (hg19) VCF-style: chr12-58144843-C-T.
Other names: c.385G>A (LRG_490t1); short protein forms D129N.
Identifiers: ClinVar variation 233735 (VCV000233735.17), dbSNP rs876660606, ClinGen allele CA10579440.
Genomic context (GRCh38, chr12:57,751,060, plus strand): 5'-TCACCAGAATGTTCTCTGGCTTCAGATCTCGGTGAACGATGCAATTGGCATGAAGGAAAT[C>T]TAGGCCTCTTAGAAACTGGCGCATCAGATCCTAGTTTCAAAGGGGAGGTACAGATGCACT-3'
Protein context (NP_000066.1, residues 119-139): DLMRQFLRGL[Asp129Asn]FLHANCIVHR

ClinVar aggregate classification (germline): Conflicting classifications of pathogenicity. Review status: criteria provided, conflicting classifications (1 of 4 stars). 4 submissions from 4 submitters: Uncertain significance (3); Likely benign (1). Last evaluated 2026-01-11.

Conditions:
Hereditary cancer-predisposing syndrome. Also called: Neoplastic Syndromes, Hereditary; Tumor predisposition; Hereditary Cancer Syndrome; Hereditary neoplastic syndrome. Identifiers: Orphanet 140162, MedGen C0027672, MeSH D009386, MONDO:0015356.
Familial melanoma. Also called: Hereditary melanoma; Hereditary cutaneous melanoma. Identifiers: Orphanet 618, MedGen C1512419, MONDO:0018961.

Allele frequency attached by ClinVar (database versions not stated): gnomAD exomes below 0.00001 and 0.00001.

Submissions (4):

Labcorp Genetics (formerly Invitae), Labcorp
Classification: Uncertain significance for Familial melanoma. Last evaluated: 2026-01-11. Review status: criteria provided, single submitter. Criteria: Invitae Variant Classification Sherloc (09022015). Collection method: clinical testing. Allele origin: germline.
Comment: This sequence change replaces aspartic acid, which is acidic and polar, with asparagine, which is neutral and polar, at codon 129 of the CDK4 protein (p.Asp129Asn). This variant is present in population databases (no rsID available, gnomAD 0.002%). This variant has not been reported in the literature in individuals affected with CDK4-related conditions. ClinVar contains an entry for this variant (Variation ID: 233735). Invitae Evidence Modeling of protein sequence and biophysical properties (such as structural, functional, and spatial information, amino acid conservation, physicochemical variation, residue mobility, and thermodynamic stability) indicates that this missense variant is not expected to disrupt CDK4 protein function with a negative predictive value of 95%. In summary, the available evidence is currently insufficient to determine the role of this variant in disease. Therefore, it has been classified as a Variant of Uncertain Significance.

Quest Diagnostics Nichols Institute San Juan Capistrano
Classification: Uncertain significance. Last evaluated: 2025-07-01. Review status: criteria provided, single submitter. Criteria: Quest Diagnostics criteria. Collection method: clinical testing. Allele origin: unknown.
Comment: The CDK4 c.385G>A (p.Asp129Asn) variant has been reported in the published literature in individuals with breast and/or ovarian cancer (PMID: 38874686 (2024)) and diabetes mellitus (PMID: 32645390 (2020)). The frequency of this variant in the general population (Genome Aggregation Database) is uninformative in the assessment of its pathogenicity. Analysis of this variant using bioinformatics tools for the prediction of the effect of amino acid changes on protein structure and function yielded conflicting predictions that this variant is benign or damaging. Based on the available information, we are unable to determine the clinical significance of this variant.

Ambry Genetics
Classification: Likely benign for Hereditary cancer-predisposing syndrome. Last evaluated: 2024-10-31. Review status: criteria provided, single submitter. Criteria: Ambry Variant Classification Scheme 2023. Collection method: clinical testing. Allele origin: germline.

Women's Health and Genetics/Laboratory Corporation of America, LabCorp
Classification: Uncertain significance. Last evaluated: 2016-05-27. Review status: criteria provided, single submitter. Criteria: LabCorp Variant Classification Summary - May 2015. Collection method: clinical testing. Allele origin: germline.
Comment: Variant summary: The CDK4 c.385G>A (p.Asp129Asn) variant involves the alteration of a non-conserved nucleotide. 2/4 in silico tools predict a benign outcome (SNPs&GO not captured due to low reliability index). This variant was absent in 121406 control chromosomes and has not, to our knowledge, been reported in affected individuals via publications and/or reputable databases/clinical diagnostic laboratories; nor evaluated for functional impact by in vivo/vitro studies. Because of the absence of clinical information and the lack of functional studies, the variant was classified as a variant of uncertain significance (VUS) until additional information becomes available.

Literature cited by the submitters: PubMed 32645390 (cited by Quest Diagnostics Nichols Institute San Juan Capistrano); PubMed 38874686 (cited by Quest Diagnostics Nichols Institute San Juan Capistrano and Ambry Genetics).